The following is an entry in ClinVar:

NM_001377.3(DYNC2H1):c.12727T>A (p.Ser4243Thr)

Gene: DYNC2H1 (dynein cytoplasmic 2 heavy chain 1; plus strand). Cytogenetic location: 11q22.3.
Variant type: single nucleotide variant.
Coding change: c.12727T>A on transcript NM_001377.3 (MANE Select); coding-DNA position 12727, T replaced by A.
Protein change: p.Ser4243Thr; replaces serine 4243 with threonine.
Molecular consequence: missense variant.
Genome position (GRCh38, 1-based): chr11:103,468,667, T>A. VCF-style: chr11-103468667-T-A. GRCh37 (hg19) VCF-style: chr11-103339395-T-A.
Other names: c.12748T>A, p.Ser4250Thr (NM_001080463.2); short protein forms S4243T, S4250T.
Identifiers: ClinVar variation 3336328 (VCV003336328.2).

ClinVar aggregate classification (germline): Uncertain significance. Review status: criteria provided, multiple submitters, no conflicts (2 of 4 stars). 2 submissions from 2 submitters: Uncertain significance (2). Last evaluated 2025-10-17.

Conditions:
Asphyxiating thoracic dystrophy 3. Also called: POLYDACTYLY WITH NEONATAL CHONDRODYSTROPHY, TYPE I; SHORT-RIB THORACIC DYSPLASIA 3/6 WITH POLYDACTYLY, DIGENIC; Short rib polydactyly syndrome 2B; Saldino-Noonan Syndrome; SHORT-RIB THORACIC DYSPLASIA 3 WITH OR WITHOUT POLYDACTYLY. Identifiers: Orphanet 474, Orphanet 93269, Orphanet 93270, Orphanet 93271, MedGen C0036069, MONDO:0013127, OMIM 613091.

gnomAD v4.1: 2 of 1,613,684 alleles (0.00012%); highest among the groups gnomAD compares: East Asian, 0.0045%; no homozygotes.

Submissions (2):

Myriad Genetics, Inc.
Classification: Uncertain significance for Asphyxiating thoracic dystrophy 3. Last evaluated: 2025-10-17. Review status: criteria provided, single submitter. Criteria: Myriad Autosomal Dominant, Autosomal Recessive and X-Linked Classification Criteria (2023). Collection method: clinical testing. Allele origin: unknown.
Comment: NM_001377.2(DYNC2H1):c.12727T>A(S4243T) is a missense variant classified as a variant of uncertain significance in the context of DYNC2H1-related disorders. S4243T has not been observed in cases with relevant disease. Relevant functional assessments of this variant are not available in the literature. S4243T has been observed in referenced population frequency databases. In summary, there is insufficient evidence to classify NM_001377.2(DYNC2H1):c.12727T>A(S4243T) as pathogenic or benign. Please note: this variant was assessed in the context of healthy population screening.

Women's Health and Genetics/Laboratory Corporation of America, LabCorp
Classification: Uncertain significance. Last evaluated: 2024-05-28. Review status: criteria provided, single submitter. Criteria: LabCorp Variant Classification Summary - May 2015. Collection method: clinical testing. Allele origin: germline.
Comment: Variant summary: DYNC2H1 c.12748T>A (p.Ser4250Thr) results in a conservative amino acid change located in the Dynein heavy chain, C-terminal domain (IPR041228) of the encoded protein sequence. Four of five in-silico tools predict a benign effect of the variant on protein function. The variant allele was found at a frequency of 8e-06 in 248848 control chromosomes. The available data on variant occurrences in the general population are insufficient to allow any conclusion about variant significance. c.12748T>A has been reported in the literature in at-least one individual affected with multiple congenital anomalies (example:Wang_HM_2021). These report(s) do not provide unequivocal conclusions about association of the variant with Short-rib thoracic dysplasia. To our knowledge, no experimental evidence demonstrating an impact on protein function has been reported. The following publication has been ascertained in the context of this evaluation (PMID: 33502061). No submitters have cited clinical-significance assessments for this variant to ClinVar. Based on the evidence outlined above, the variant was classified as uncertain significance.

Literature cited by the submitters: PubMed 33502061 (cited by Women's Health and Genetics/Laboratory Corporation of America, LabCorp).